The following is an entry in ClinVar:

ClinVar aggregate classification (germline): Pathogenic (1 of 4 stars; one submission).

Submission:

Labcorp Genetics (formerly Invitae), Labcorp
Classification: Pathogenic. Last evaluated: 2022-08-27. Review status: criteria provided, single submitter. Criteria: Invitae Variant Classification Sherloc (09022015). Collection method: clinical testing. Allele origin: germline.
Comment: For these reasons, this variant has been classified as Pathogenic. A similar copy number variant has been observed in individual(s) with microcephaly and chorioretinopathy (PMID: 31077665). In at least one individual the variant was observed to be de novo. This variant is a gross deletion of the genomic region encompassing exon(s) 4 of the KIF11 gene. This deletion is out-of-frame, and is expected to create a premature termination codon and result in an absent or disrupted protein product. Loss-of-function variants in KIF11 are known to be pathogenic (PMID: 22284827, 24281367).

Literature cited by the submitters: PubMed 31077665; PubMed 22284827; PubMed 24281367.

NC_000010.10:g.(?_94366896)_(94367014_?)del

Gene: KIF11 (kinesin family member 11; plus strand). Cytogenetic location: 10q23.33.
Variant type: Deletion.
Identifiers: ClinVar variation 2425139 (VCV002425139.4).